The following is an entry in ClinVar:

NM_000051.4(ATM):c.9143T>G (p.Leu3048Arg)

Genes: ATM (ATM serine/threonine kinase; plus strand), C11orf65 (chromosome 11 open reading frame 65; minus strand). Cytogenetic location: 11q22.3.
Variant type: single nucleotide variant.
Coding change: c.9143T>G on transcript NM_000051.4 (MANE Select); coding-DNA position 9143, T replaced by G.
Protein change: p.Leu3048Arg; replaces leucine 3048 with arginine.
Molecular consequence: missense variant. On other transcripts: intron variant (2).
Genome position (GRCh38, 1-based): chr11:108,365,480, T>G. VCF-style: chr11-108365480-T-G. GRCh37 (hg19) VCF-style: chr11-108236207-T-G.
Other names: c.9143T>G, p.Leu3048Arg (NM_001351834.2); c.640+20440A>C (NM_001330368.2); c.694+20440A>C (NM_001351110.2); short protein forms L3048R.
Identifiers: ClinVar variation 1765947 (VCV001765947.4), dbSNP rs2547687107, ClinGen allele CA382532119.
Genomic context (GRCh38, chr11:108,365,480, plus strand): 5'-TTGGTGGACAAGTGAATTTGCTCATACAGCAGGCCATAGACCCCAAAAATCTCAGCCGAC[T>G]TTTCCCAGGATGGAAAGCTTGGGTGTGATCTTCAGTATATGAATTACCCTTTCATTCAGC-3'
Protein context (NP_000042.3, residues 3038-3056): QAIDPKNLSR[Leu3048Arg]FPGWKAWV

ClinVar aggregate classification (germline): Uncertain significance. Review status: criteria provided, multiple submitters, no conflicts (2 of 4 stars). 2 submissions from 2 submitters: Uncertain significance (2). Last evaluated 2024-11-05.

Conditions:
Ataxia-telangiectasia syndrome (AT). Also called: Ataxia telangiectasia (A-T); LOUIS-BAR SYNDROME; Cerebello-oculocutaneous telangiectasia; Immunodeficiency with ataxia telangiectasia; Ataxia-telangiectasia, complementation group D; AT, COMPLEMENTATION GROUP C. Identifiers: Orphanet 100, MedGen C0004135, MONDO:0008840, OMIM 208900.
Hereditary cancer-predisposing syndrome. Also called: Hereditary neoplastic syndrome; Neoplastic Syndromes, Hereditary; Tumor predisposition; Hereditary Cancer Syndrome. Identifiers: Orphanet 140162, MedGen C0027672, MeSH D009386, MONDO:0015356.

Submissions (2):

Labcorp Genetics (formerly Invitae), Labcorp
Classification: Uncertain significance for Ataxia-telangiectasia syndrome. Last evaluated: 2024-11-05. Review status: criteria provided, single submitter. Criteria: Invitae Variant Classification Sherloc (09022015). Collection method: clinical testing. Allele origin: germline.
Comment: This sequence change replaces leucine, which is neutral and non-polar, with arginine, which is basic and polar, at codon 3048 of the ATM protein (p.Leu3048Arg). This variant is not present in population databases (gnomAD no frequency). This variant has not been reported in the literature in individuals affected with ATM-related conditions. ClinVar contains an entry for this variant (Variation ID: 1765947). Invitae Evidence Modeling of protein sequence and biophysical properties (such as structural, functional, and spatial information, amino acid conservation, physicochemical variation, residue mobility, and thermodynamic stability) indicates that this missense variant is expected to disrupt ATM protein function with a positive predictive value of 95%. In summary, the available evidence is currently insufficient to determine the role of this variant in disease. Therefore, it has been classified as a Variant of Uncertain Significance.

Ambry Genetics
Classification: Uncertain significance for Hereditary cancer-predisposing syndrome. Last evaluated: 2021-06-06. Review status: criteria provided, single submitter. Criteria: Ambry Variant Classification Scheme 2023. Collection method: clinical testing. Allele origin: germline.
Comment: The p.L3048R variant (also known as c.9143T>G), located in coding exon 62 of the ATM gene, results from a T to G substitution at nucleotide position 9143. The leucine at codon 3048 is replaced by arginine, an amino acid with dissimilar properties. This amino acid position is highly conserved in available vertebrate species. In addition, this alteration is predicted to be deleterious by in silico analysis. Since supporting evidence is limited at this time, the clinical significance of this alteration remains unclear.